The following is an entry in ClinVar:

ClinVar aggregate classification (germline): Pathogenic/Likely pathogenic. Review status: criteria provided, multiple submitters, no conflicts (2 of 4 stars). 11 submissions from 11 submitters: Pathogenic (8); Likely pathogenic (1). 2 of the submissions do not count toward it. Last evaluated 2026-09-24.

Conditions:
PKHD1-related disorder. Also called: PKHD1-related condition.
Autosomal dominant polycystic liver disease. Also called: Polycystic liver disease; Congenital cystic disease of liver. Identifiers: Orphanet 2924, MedGen C0158683, MONDO:0000447, HP:0006557.
Polycystic kidney disease 4 (PKD4). Also called: POLYCYSTIC KIDNEY AND HEPATIC DISEASE 1; POLYCYSTIC KIDNEY DISEASE, INFANTILE, TYPE I; Autosomal Recessive Polycystic Kidney Disease – PKHD1; PKD3; POLYCYSTIC KIDNEY DISEASE 4 WITH OR WITHOUT POLYCYSTIC LIVER DISEASE. Identifiers: MedGen C4540575, MONDO:0033004, OMIM 263200.
Autosomal recessive polycystic kidney disease (ARPKD). Also called: AR polycystic kidney disease. Identifiers: Orphanet 731, Orphanet 8378, MedGen C0085548, MeSH D017044, MONDO:0009889.

Allele frequency attached by ClinVar (database versions not stated): ExAC 0.00002; TOPMed below 0.00001; gnomAD exomes 0.00002.
gnomAD v4.1: 22 of 1,612,722 alleles (0.0014%); highest among the groups gnomAD compares: Non-Finnish European, 0.0015%; no homozygotes.

Submissions (11):

GeneDx
Classification: Pathogenic. Last evaluated: 2026-09-24. Review status: criteria provided, single submitter. Criteria: GeneDx Variant Classification Process June 2021. Collection method: clinical testing. Allele origin: germline.
Comment: Not observed at significant frequency in large population cohorts (gnomAD); In silico analysis supports that this missense variant has a deleterious effect on protein structure/function; This variant is associated with the following publications: (PMID: 16133180, 27225849, 33845788)

PreventionGenetics, part of Exact Sciences
Classification: Pathogenic for PKHD1-related condition. Last evaluated: 2026-05-11. Review status: criteria provided, single submitter. Criteria: ACMG Guidelines, 2015. Collection method: clinical testing. Allele origin: germline.
Comment: The PKHD1 c.2854G>A variant is predicted to result in the amino acid substitution p.Gly952Arg. This variant has been reported in the compound heterozygous state with different PKHD1 variants in individuals with autosomal recessive polycystic kidney disease (ARPKD) (Losekoot et al. 2005. PubMed ID: 16133180; Melchionda et al. 2016. PubMed ID: 27225849; Yao et al. 2021. PubMed ID: 33845788; PreventionGenetics, Internal Data). This variant is reported in 0.014% of alleles in individuals of European (Finnish) descent in gnomAD. This variant is interpreted as pathogenic.

Labcorp Genetics (formerly Invitae), Labcorp
Classification: Pathogenic for Autosomal recessive polycystic kidney disease. Last evaluated: 2025-12-24. Review status: criteria provided, single submitter. Criteria: Invitae Variant Classification Sherloc (09022015). Collection method: clinical testing. Allele origin: germline.
Comment: This sequence change replaces glycine, which is neutral and non-polar, with arginine, which is basic and polar, at codon 952 of the PKHD1 protein (p.Gly952Arg). This variant is present in population databases (rs773136605, gnomAD 0.01%). This missense change has been observed in individual(s) with polycystic kidney disease (PMID: 16133180, 27225849). In at least one individual the data is consistent with being in trans (on the opposite chromosome) from a pathogenic variant. ClinVar contains an entry for this variant (Variation ID: 196052). Invitae Evidence Modeling of protein sequence and biophysical properties (such as structural, functional, and spatial information, amino acid conservation, physicochemical variation, residue mobility, and thermodynamic stability) indicates that this missense variant is expected to disrupt PKHD1 protein function with a positive predictive value of 95%. For these reasons, this variant has been classified as Pathogenic.

Natera, Inc.
Classification: Pathogenic for Autosomal recessive polycystic kidney disease. Last evaluated: 2025-12-01. Review status: criteria provided, single submitter. Criteria: Natera Variant Classification Schema (03/2026). Collection method: clinical testing. Allele origin: germline.
Comment: The c.2854G>A variant in PKHD1 is a missense variant predicted to cause substitution of glycine to arginine at amino acid 952. This variant is rare in the general population with a frequency below the threshold expected for the associated phenotype(s). This variant has been observed in one or more individuals affected with the associated recessive disease, as either homozygous or compound heterozygous with a second variant (PMID: 16133180). Given the available evidence, this variant is classified as Pathogenic.

Blueprint Genetics
Classification: Pathogenic for PKHD1-related disorders. Last evaluated: 2023-09-28. Review status: criteria provided, single submitter. Criteria: ACMG Guidelines, 2015. Collection method: clinical testing. Allele origin: germline. Affected: yes. Observed: 4 variant alleles.

Department of Pathology and Laboratory Medicine, Sinai Health System
Classification: Pathogenic for Polycystic kidney disease 4. Last evaluated: 2023-08-03. Review status: criteria provided, single submitter. Criteria: ACMG Guidelines, 2015. Collection method: research. Allele origin: germline.

Women's Health and Genetics/Laboratory Corporation of America, LabCorp
Classification: Pathogenic for Autosomal recessive polycystic kidney disease. Last evaluated: 2021-05-21. Review status: criteria provided, single submitter. Criteria: LabCorp Variant Classification Summary - May 2015. Collection method: clinical testing. Allele origin: germline.
Comment: Variant summary: PKHD1 c.2854G>A (p.Gly952Arg) results in a non-conservative amino acid change located in the IPT domain of the encoded protein sequence. Five of five in-silico tools predict a damaging effect of the variant on protein function. The variant allele was found at a frequency of 2.4e-05 in 250594 control chromosomes. c.2854G>A has been reported in the literature in multiple individuals affected with Polycystic Kidney And Hepatic Disease (Losekoot_2005, Melchionda_2016, Yao_2021). These data indicate that the variant is very likely to be associated with disease. To our knowledge, no experimental evidence demonstrating an impact on protein function has been reported. Four clinical diagnostic laboratories have submitted clinical-significance assessments for this variant to ClinVar after 2014 without evidence for independent evaluation. All laboratories classified the variant as pathogenic/likely pathogenic. Based on the evidence outlined above, the variant was classified as pathogenic.

Centre for Mendelian Genomics, University Medical Centre Ljubljana
Classification: Likely pathogenic for Polycystic kidney disease 4. Last evaluated: 2019-12-11. Review status: criteria provided, single submitter. Criteria: ACMG Guidelines, 2015. Collection method: clinical testing. Allele origin: unknown. Affected: yes.
Comment: This variant was classified as: Likely pathogenic. The following ACMG criteria were applied in classifying this variant: PS1,PM1,PM2,PP3.

Eurofins Ntd Llc (ga)
Classification: Pathogenic. Last evaluated: 2014-06-05. Review status: criteria provided, single submitter. Criteria: EGL Classification Definitions 2015. Collection method: clinical testing. Allele origin: germline. Observed: 1 variant allele, 1 heterozygote.

Laboratory of Gastroenterology and Hepatology, Radboud University Medical Center
Classification: Likely pathogenic for Autosomal dominant polycystic liver disease. Last evaluated: 2021-09-01. Review status: no assertion criteria provided. Collection method: research. Allele origin: germline. Affected: yes. Not counted in ClinVar's aggregate classification.

Division of Human Genetics, Children's Hospital of Philadelphia
Classification: Likely pathogenic for Polycystic kidney disease 4. Last evaluated: 2016-09-05. Review status: no assertion criteria provided. Collection method: research. Allele origin: maternal. Study: CSER-PediSeq. Not counted in ClinVar's aggregate classification.

Literature cited by the submitters: PubMed 16133180 (cited by 4 submitters); PubMed 27225849 (cited by Labcorp Genetics (formerly Invitae), Labcorp and Women's Health and Genetics/Laboratory Corporation of America, LabCorp); PubMed 33845788 (cited by Women's Health and Genetics/Laboratory Corporation of America, LabCorp).

NM_138694.4(PKHD1):c.2854G>A (p.Gly952Arg)

Gene: PKHD1 (PKHD1 ciliary IPT domain containing fibrocystin/polyductin; minus strand). Cytogenetic location: 6p12.2.
Variant type: single nucleotide variant.
Coding change: c.2854G>A on transcript NM_138694.4 (MANE Select); coding-DNA position 2854, G replaced by A.
Protein change: p.Gly952Arg; replaces glycine 952 with arginine.
Molecular consequence: missense variant.
Genome position (GRCh38, 1-based): chr6:52,043,102, C>T on the plus strand (G>A on the coding strand, the complement: PKHD1 is on the minus strand). VCF-style: chr6-52043102-C-T. GRCh37 (hg19) VCF-style: chr6-51907900-C-T.
Other names: c.2854G>A, p.Gly952Arg (NM_170724.3); short protein forms G952R.
Identifiers: ClinVar variation 196052 (VCV000196052.56), dbSNP rs773136605, ClinGen allele CA275144.